The following is an entry in ClinVar:

ClinVar aggregate classification (germline): Likely pathogenic (1 of 4 stars; one submission).

Conditions:
Fabry disease. Also called: ALPHA-GALACTOSIDASE A DEFICIENCY; ANDERSON-FABRY DISEASE; CERAMIDE TRIHEXOSIDASE DEFICIENCY; GLA DEFICIENCY; HEREDITARY DYSTOPIC LIPIDOSIS; Angiokeratoma corporis diffusum. Identifiers: Orphanet 324, MedGen C0002986, MONDO:0010526, OMIM 301500, HP:0001071. Disease mechanism: Fabry disease is due to inactivating mutations in the X-linked GLA gene resulting in deficiency of the enzyme Alpha Galactosidase-A., loss of function.

Submission:

Genomenon, Inc
Classification: Likely pathogenic for Fabry disease. Last evaluated: 2026-09-08. Review status: criteria provided, single submitter. Criteria: Genomenon Sequence Variant Interpretation Standards - Updated. Collection method: curation. Allele origin: germline. Affected: no.
Comment: GLA p.Met72ArgfsTer49 (c.215del) is a frameshift variant that is predicted to introduce a premature termination codon and result in a truncated or absent protein product. This variant has been reported in the published literature (PMID:24236025). It is absent or not present at a significant frequency in gnomAD. In conclusion, we classify GLA p.Met72ArgfsTer49 (c.215del) as a likely pathogenic variant.

Literature cited by the submitters: PubMed 24236025.

NM_000169.3(GLA):c.215del (p.Met72fs)

Genes: GLA (galactosidase alpha; minus strand), RPL36A-HNRNPH2 (RPL36A-HNRNPH2 readthrough; plus strand). Cytogenetic location: Xq22.1.
Variant type: Deletion.
Coding change: c.215del on transcript NM_000169.3 (MANE Select); coding-DNA position 215, one base deleted (T; older notation c.215delT).
Protein change: p.Met72fs; shifts the reading frame from methionine 72.
Molecular consequence: frameshift variant. On other transcripts: non-coding transcript variant (3), intron variant (2).
Genome position (GRCh38, 1-based): chrX:101,403,965, A deleted on the plus strand (T on the coding strand, the reverse complement: GLA is on the minus strand). VCF-style (leftmost placement, unchanged base first): chrX-101403964-CA-C. GRCh37 (hg19) VCF-style: chrX-100658952-CA-C.
Other names: c.338del, p.Met113fs (NM_001406747.1, NM_001406749.1); c.215del, p.Met72fs (NM_001406748.1); c.301-7971del (NM_001199973.2); c.178-7971del (NM_001199974.2); short protein forms M113fs, M72fs.
Identifiers: ClinVar variation 4086933 (VCV004086933.2).